The following is an entry in ClinVar:

ClinVar aggregate classification (germline): Uncertain significance. Review status: criteria provided, multiple submitters, no conflicts (2 of 4 stars). 2 submissions from 2 submitters: Uncertain significance (2). Last evaluated 2025-10-01.

Conditions:
Malignant hyperthermia, susceptibility to, 1 (MHS1). Also called: Anesthesia related hyperthermia; Malignant hyperpyrexia; Fulminating hyperpyrexia; Pharmacogenic myopathy; RYR1-Related Malignant Hyperthermia Susceptibility; Malignant hyperthermia suceptibility 1. Identifiers: Orphanet 423, MedGen C2930980, MONDO:0007783, OMIM 145600.
RYR1-related disorder. Also called: RYR1-related condition; RYR1-related disorders. Identifiers: MedGen CN239331.

gnomAD v4.1: 1 of 1,614,056 alleles (0.000062%); highest among the groups gnomAD compares: Non-Finnish European, 0.000085%; no homozygotes.

Submissions (2):

Labcorp Genetics (formerly Invitae), Labcorp
Classification: Uncertain significance for RYR1-related disorder. Last evaluated: 2025-10-01. Review status: criteria provided, single submitter. Criteria: Invitae Variant Classification Sherloc (09022015). Collection method: clinical testing. Allele origin: germline.
Comment: This sequence change replaces isoleucine, which is neutral and non-polar, with valine, which is neutral and non-polar, at codon 3362 of the RYR1 protein (p.Ile3362Val). This variant is not present in population databases (gnomAD no frequency). This variant has not been reported in the literature in individuals affected with RYR1-related conditions. Invitae Evidence Modeling of protein sequence and biophysical properties (such as structural, functional, and spatial information, amino acid conservation, physicochemical variation, residue mobility, and thermodynamic stability) indicates that this missense variant is not expected to disrupt RYR1 protein function with a negative predictive value of 80%. In summary, the available evidence is currently insufficient to determine the role of this variant in disease. Therefore, it has been classified as a Variant of Uncertain Significance.

Color Diagnostics, LLC DBA Color Health
Classification: Uncertain significance for Malignant hyperthermia, susceptibility to, 1. Last evaluated: 2024-01-30. Review status: criteria provided, single submitter. Criteria: ACMG Guidelines, 2015. Collection method: clinical testing. Allele origin: germline.
Comment: This missense variant replaces isoleucine with valine at codon 3362 of the RYR1 protein. Computational prediction suggests that this variant may not impact protein structure and function. To our knowledge, functional studies have not been reported for this variant. This variant has not been reported in individuals affected with RYR1-related disorders in the literature. This variant has not been identified in the general population by the Genome Aggregation Database (gnomAD). The available evidence is insufficient to determine the role of this variant in disease conclusively. Therefore, this variant is classified as a Variant of Uncertain Significance.

NM_000540.3(RYR1):c.10084A>G (p.Ile3362Val)

Gene: RYR1 (ryanodine receptor 1; plus strand). Cytogenetic location: 19q13.2.
Variant type: single nucleotide variant.
Coding change: c.10084A>G on transcript NM_000540.3 (MANE Select); coding-DNA position 10084, A replaced by G.
Protein change: p.Ile3362Val; replaces isoleucine 3362 with valine.
Molecular consequence: missense variant.
Genome position (GRCh38, 1-based): chr19:38,519,279, A>G. VCF-style: chr19-38519279-A-G. GRCh37 (hg19) VCF-style: chr19-39009919-A-G.
Other names: c.10084A>G, p.Ile3362Val (NM_001042723.2); short protein forms I3362V.
Identifiers: ClinVar variation 4739979 (VCV004739979.1).